The following is an entry in ClinVar:

ClinVar aggregate classification (germline): Pathogenic. Review status: criteria provided, multiple submitters, no conflicts (2 of 4 stars). 2 submissions from 2 submitters: Pathogenic (2). Last evaluated 2023-12-27.

Conditions:
Hereditary cancer-predisposing syndrome. Also called: Neoplastic Syndromes, Hereditary; Tumor predisposition; Hereditary Cancer Syndrome; Hereditary neoplastic syndrome. Identifiers: Orphanet 140162, MedGen C0027672, MeSH D009386, MONDO:0015356.
Neurofibromatosis, type 2 (SWNV). Also called: BILATERAL ACOUSTIC NEUROFIBROMATOSIS; SCHWANNOMATOSIS, VESTIBULAR; NF2-Related Schwannomatosis. Identifiers: Orphanet 637, MedGen C0027832, MONDO:0007039, OMIM 101000. Disease mechanism: loss of function.

Submissions (2):

Ambry Genetics
Classification: Pathogenic for Hereditary cancer-predisposing syndrome. Last evaluated: 2023-12-27. Review status: criteria provided, single submitter. Criteria: Ambry Variant Classification Scheme 2023. Collection method: clinical testing. Allele origin: germline.
Comment: The c.1575-2A>G intronic pathogenic mutation results from an A to G substitution two nucleotides upstream from coding exon 15 in the NF2 gene. This alteration, noted as "agAG to ggAG Junction 525/526" was observed in indivdiuals with bilateral schwannomas (M&eacute;rel P et al. Genes Chromosomes Cancer, 1995 Feb;12:117-27, Ambry internal data). This variant is considered to be rare based on population cohorts in the Genome Aggregation Database (gnomAD). This nucleotide position is highly conserved in available vertebrate species. In silico splice site analysis predicts that this alteration will weaken the native splice acceptor site and will result in the creation or strengthening of a novel splice acceptor site. In addition to the clinical data presented in the literature, alterations that disrupt the canonical splice site are expected to cause aberrant splicing, resulting in an abnormal protein or a transcript that is subject to nonsense-mediated mRNA decay. As such, this alteration is classified as a disease-causing mutation.

Labcorp Genetics (formerly Invitae), Labcorp
Classification: Pathogenic for Neurofibromatosis, type 2. Last evaluated: 2019-11-01. Review status: criteria provided, single submitter. Criteria: Invitae Variant Classification Sherloc (09022015). Collection method: clinical testing. Allele origin: germline.
Comment: This sequence change affects an acceptor splice site in intron 14 of the NF2 gene. It is expected to disrupt RNA splicing and likely results in an absent or disrupted protein product. This variant is not present in population databases (ExAC no frequency). Disruption of this splice site has been observed in several individuals affected with neurofibromatosis type 2 (PMID:7535084, 8751853, 18033041). This variant is also known as "agAG to ggAG, Junction 525/526"in the literature. Algorithms developed to predict the effect of sequence changes on RNA splicing suggest that this variant may disrupt the consensus splice site, but this prediction has not been confirmed by published transcriptional studies. Donor and acceptor splice site variants typically lead to a loss of protein function (PMID: 16199547), and loss-of-function variants in NF2 are known to be pathogenic (PMID: 9643284, 16983642). For these reasons, this variant has been classified as Pathogenic.

Literature cited by the submitters: PubMed 7535084 (cited by Ambry Genetics and Labcorp Genetics (formerly Invitae), Labcorp); PubMed 8751853 (cited by Labcorp Genetics (formerly Invitae), Labcorp); PubMed 18033041 (cited by Labcorp Genetics (formerly Invitae), Labcorp); PubMed 16983642 (cited by Labcorp Genetics (formerly Invitae), Labcorp); PubMed 9643284 (cited by Labcorp Genetics (formerly Invitae), Labcorp).

NM_000268.4(NF2):c.1575-2A>G

Gene: NF2 (NF2, moesin-ezrin-radixin like (MERLIN) tumor suppressor; plus strand). Cytogenetic location: 22q12.2.
Variant type: single nucleotide variant.
Coding change: c.1575-2A>G on transcript NM_000268.4 (MANE Select); the canonical splice acceptor site of the intron before coding-DNA position 1575, A replaced by G.
Molecular consequence: splice acceptor variant. On other transcripts: intron variant (3).
Genome position (GRCh38, 1-based): chr22:29,681,437, A>G. VCF-style: chr22-29681437-A-G. GRCh37 (hg19) VCF-style: chr22-30077426-A-G.
Other names: c.1440-2A>G (NM_001407059.1, NM_001407057.1); c.448-13315A>G (NM_181833.3); c.1452-2A>G (NM_001407058.1, NM_181829.3, NM_001407054.1); c.1317-2A>G (NM_001407062.1); c.1449-2A>G (NM_181828.3, NM_001407055.1); c.1326-2A>G (NM_001407063.1, NM_181830.3, NM_181831.3); c.1325+3114A>G (NM_001407064.1); c.1575-2A>G (NM_001407066.1, NM_181825.3, NM_016418.5 and 1 more transcripts); and 4 more.
Identifiers: ClinVar variation 934838 (VCV000934838.2), dbSNP rs2067131272, ClinGen allele CA411149980.
Genomic context (GRCh38, chr22:29,681,437, plus strand): 5'-GCACCTGAGCCGTGTCTCACTGTCTGCCCAAGCCCTGATGCATGATACCCTCTTGCCGGC[A>G]GAGTGGAATACATGGAAAAGAGCAAGCATCTGCAGGAGCAGCTCAATGAACTCAAGACAG-3'